The following is an entry in ClinVar:

ClinVar aggregate classification (germline): Uncertain significance. Review status: criteria provided, multiple submitters, no conflicts (2 of 4 stars). 3 submissions from 3 submitters: Uncertain significance (3). Last evaluated 2026-07-01.

Conditions:
Ulnar-mammary syndrome (UMS). Also called: Ulnar-mammary syndrome of Pallister; SCHINZEL SYNDROME; PALLISTER ULNAR-MAMMARY SYNDROME. Identifiers: Orphanet 3138, MedGen C1866994, MONDO:0008411, OMIM 181450.
Inborn genetic diseases. Identifiers: MedGen C0950123, MeSH D030342.
TBX3-related disorder. Also called: TBX3-related condition.

Allele frequency attached by ClinVar (database versions not stated): ExAC 0.00001; gnomAD exomes 0.00001; TOPMed 0.00013; gnomAD 0.00023.
gnomAD v4.1: 52 of 1,613,984 alleles (0.0032%); highest among the groups gnomAD compares: Admixed American, 0.083%; 1 homozygote.

Submissions (3):

PreventionGenetics, part of Exact Sciences
Classification: Uncertain significance for TBX3-related condition. Last evaluated: 2026-07-01. Review status: criteria provided, single submitter. Criteria: ACMG Guidelines, 2015. Collection method: clinical testing. Allele origin: germline.
Comment: The TBX3 c.613C>T variant is predicted to result in the amino acid substitution p.His205Tyr. This variant was found in a mother and child with obesity, along with some other features of TBX3-related ulnar-mammary-syndrome (Xu et al. 2020. PubMedCentral ID: PMC7209158). However, this variant is reported in 0.045% of alleles in individuals of Latino descent in gnomAD, which may be too frequent to be a primary cause of disease. Although we suspect that this variant may be benign, at this time, the clinical significance of this variant is uncertain due to the absence of conclusive functional and genetic evidence.

Labcorp Genetics (formerly Invitae), Labcorp
Classification: Uncertain significance for Ulnar-mammary syndrome. Last evaluated: 2025-08-18. Review status: criteria provided, single submitter. Criteria: Invitae Variant Classification Sherloc (09022015). Collection method: clinical testing. Allele origin: germline.
Comment: This sequence change replaces histidine, which is basic and polar, with tyrosine, which is neutral and polar, at codon 205 of the TBX3 protein (p.His205Tyr). This variant is present in population databases (rs749487839, gnomAD 0.04%), and has an allele count higher than expected for a pathogenic variant. This variant has not been reported in the literature in individuals affected with TBX3-related conditions. ClinVar contains an entry for this variant (Variation ID: 1970912). An algorithm developed to predict the effect of missense changes on protein structure and function (PolyPhen-2) suggests that this variant is likely to be disruptive. In summary, the available evidence is currently insufficient to determine the role of this variant in disease. Therefore, it has been classified as a Variant of Uncertain Significance.

Ambry Genetics
Classification: Uncertain significance for Inborn genetic diseases. Last evaluated: 2025-04-28. Review status: criteria provided, single submitter. Criteria: Ambry Variant Classification Scheme 2023. Collection method: clinical testing. Allele origin: germline.

NM_005996.4(TBX3):c.613C>T (p.His205Tyr)

Gene: TBX3 (T-box transcription factor 3; minus strand). Cytogenetic location: 12q24.21.
Variant type: single nucleotide variant.
Coding change: c.613C>T on transcript NM_005996.4 (MANE Select); coding-DNA position 613, C replaced by T.
Protein change: p.His205Tyr; replaces histidine 205 with tyrosine.
Molecular consequence: missense variant.
Genome position (GRCh38, 1-based): chr12:114,680,923, G>A on the plus strand (C>T on the coding strand, the complement: TBX3 is on the minus strand). VCF-style: chr12-114680923-G-A. GRCh37 (hg19) VCF-style: chr12-115118728-G-A.
Other names: c.613C>T (NM_005996.3, NM_016569.3); c.613C>T, p.His205Tyr (NM_016569.4); short protein forms H205Y.
Identifiers: ClinVar variation 1970912 (VCV001970912.9), dbSNP rs749487839, ClinGen allele CA6810165.